The following is an entry in ClinVar:

NM_016335.6(PRODH):c.482+6G>A

Gene: PRODH (proline dehydrogenase 1; minus strand). Cytogenetic location: 22q11.21.
Variant type: single nucleotide variant.
Coding change: c.482+6G>A on transcript NM_016335.6 (MANE Select); 6 bases into the intron after coding-DNA position 482, G replaced by A.
Molecular consequence: intron variant.
Genome position (GRCh38, 1-based): chr22:18,930,984, C>T on the plus strand (G>A on the coding strand, the complement: PRODH is on the minus strand). VCF-style: chr22-18930984-C-T. GRCh37 (hg19) VCF-style: chr22-18918497-C-T.
Other names: c.158+6G>A (NM_001195226.2).
Identifiers: ClinVar variation 1345434 (VCV001345434.7), dbSNP rs571651683, ClinGen allele CA321321154.

ClinVar aggregate classification (germline): Uncertain significance. Review status: criteria provided, multiple submitters, no conflicts (2 of 4 stars). 2 submissions from 2 submitters: Uncertain significance (2). Last evaluated 2024-01-16.

Conditions:
Proline dehydrogenase deficiency (HYRPRO1). Also called: PROLINE OXIDASE DEFICIENCY; Hyperprolinemia type 1. Identifiers: Orphanet 419, MedGen C0268529, MONDO:0009400, OMIM 239500.
Schizophrenia 4 (SCZD4). Also called: SCHIZOPHRENIA SUSCEPTIBILITY LOCUS, CHROMOSOME 22q11-RELATED; SCHIZOPHRENIA, SUSCEPTIBILITY TO, 4. Identifiers: MedGen C1833247, MONDO:0010943, OMIM 600850.

Submissions (2):

Fulgent Genetics
Classification: Uncertain significance for Proline dehydrogenase deficiency; Schizophrenia 4. Last evaluated: 2024-01-16. Review status: criteria provided, single submitter. Criteria: ACMG Guidelines, 2015. Collection method: clinical testing. Allele origin: germline.

Labcorp Genetics (formerly Invitae), Labcorp
Classification: Uncertain significance for Proline dehydrogenase deficiency. Last evaluated: 2023-12-09. Review status: criteria provided, single submitter. Criteria: Invitae Variant Classification Sherloc (09022015). Collection method: clinical testing. Allele origin: germline.
Comment: This sequence change falls in intron 3 of the PRODH gene. It does not directly change the encoded amino acid sequence of the PRODH protein. It affects a nucleotide within the consensus splice site. This variant is present in population databases (rs571651683, gnomAD 0.009%). This variant has not been reported in the literature in individuals affected with PRODH-related conditions. ClinVar contains an entry for this variant (Variation ID: 1345434). Variants that disrupt the consensus splice site are a relatively common cause of aberrant splicing (PMID: 17576681, 9536098). Algorithms developed to predict the effect of sequence changes on RNA splicing suggest that this variant is not likely to affect RNA splicing. In summary, the available evidence is currently insufficient to determine the role of this variant in disease. Therefore, it has been classified as a Variant of Uncertain Significance.

Literature cited by the submitters: PubMed 17576681 (cited by Labcorp Genetics (formerly Invitae), Labcorp); PubMed 9536098 (cited by Labcorp Genetics (formerly Invitae), Labcorp).